The following is an entry in ClinVar:

ClinVar aggregate classification (germline): Likely pathogenic (1 of 4 stars; one submission).

Conditions:
Nephronophthisis 15 (NPHP15). Identifiers: Orphanet 3156, MedGen C3541853, MONDO:0013917, OMIM 614845.

Allele frequency attached by ClinVar (database versions not stated): gnomAD exomes below 0.00001.

Submission:

Labcorp Genetics (formerly Invitae), Labcorp
Classification: Likely pathogenic for Nephronophthisis 15. Last evaluated: 2021-12-09. Review status: criteria provided, single submitter. Criteria: Invitae Variant Classification Sherloc (09022015). Collection method: clinical testing. Allele origin: germline.
Comment: In summary, the currently available evidence indicates that the variant is pathogenic, but additional data are needed to prove that conclusively. Therefore, this variant has been classified as Likely Pathogenic. This sequence change affects a donor splice site in intron 8 of the CEP164 gene. It is expected to disrupt RNA splicing. Variants that disrupt the donor or acceptor splice site typically lead to a loss of protein function (PMID: 16199547), and loss-of-function variants in CEP164 are known to be pathogenic (PMID: 22863007, 28125082, 32367404, 34132027, 34499853). This variant is not present in population databases (gnomAD no frequency). This variant has not been reported in the literature in individuals affected with CEP164-related conditions. Algorithms developed to predict the effect of sequence changes on RNA splicing suggest that this variant may disrupt the consensus splice site.

Literature cited by the submitters: PubMed 16199547; PubMed 22863007; PubMed 28125082; PubMed 32367404; PubMed 34132027; PubMed 34499853.

NM_014956.5(CEP164):c.765+1G>A

Gene: CEP164 (centrosomal protein 164; plus strand). Cytogenetic location: 11q23.3.
Variant type: single nucleotide variant.
Coding change: c.765+1G>A on transcript NM_014956.5 (MANE Select); the canonical splice donor site of the intron after coding-DNA position 765, G replaced by A.
Molecular consequence: splice donor variant.
Genome position (GRCh38, 1-based): chr11:117,363,507, G>A. VCF-style: chr11-117363507-G-A. GRCh37 (hg19) VCF-style: chr11-117234223-G-A.
Other names: c.765+1G>A (NM_001271933.2).
Identifiers: ClinVar variation 1481538 (VCV001481538.6), dbSNP rs2041251614, ClinGen allele CA382733399.